The following is an entry in ClinVar:

ClinVar aggregate classification (germline): Conflicting classifications of pathogenicity. Review status: criteria provided, conflicting classifications (1 of 4 stars). 10 submissions from 10 submitters: Pathogenic (3); Likely pathogenic (4); Uncertain significance (3). Last evaluated 2026-09-10.

Conditions:
Cardiovascular phenotype. Identifiers: MedGen CN230736.
Noonan syndrome 1 (NS1). Also called: PTPN11-Related Noonan Syndrome; FEMALE PSEUDO-TURNER SYNDROME; TURNER PHENOTYPE WITH NORMAL KARYOTYPE. Identifiers: Orphanet 648, MedGen C4551602, MONDO:0008104, OMIM 163950. Disease mechanism: gain of function.
LEOPARD syndrome 1 (LPRD1). Also called: LENTIGINOSIS, CARDIOMYOPATHIC; MULTIPLE LENTIGINES SYNDROME; PTPN11-Related LEOPARD Syndrome. Identifiers: Orphanet 500, MedGen C4551484, MONDO:0100082, OMIM 151100.
Juvenile myelomonocytic leukemia (JMML). Also called: LEUKEMIA, JUVENILE MYELOMONOCYTIC, SOMATIC. Identifiers: Orphanet 86834, MedGen C0349639, MONDO:0011908, OMIM 607785, HP:0012209.
Metachondromatosis (METCDS). Identifiers: Orphanet 2499, MedGen C0410530, MONDO:0007979, OMIM 156250.
RASopathy. Also called: Noonan spectrum disorder; rasopathies. Identifiers: Orphanet 536391, MedGen C5555857, MONDO:0021060.
Autosomal dominant PTPN11-related disorders.
PTPN11-related disorder. Also called: PTPN11-Related Disorders.

Allele frequency attached by ClinVar (database versions not stated): gnomAD exomes below 0.00001; TOPMed below 0.00001; gnomAD 0.00001.
gnomAD v4.1: 2 of 1,613,160 alleles (0.00012%); highest among the groups gnomAD compares: African/African-American, 0.0013%; no homozygotes.

Submissions (10):

GeneDx
Classification: Likely pathogenic. Last evaluated: 2026-09-10. Review status: criteria provided, single submitter. Criteria: GeneDx Variant Classification Process June 2021. Collection method: clinical testing. Allele origin: germline.
Comment: Missense variants in this gene are a common cause of disease and they are underrepresented in the general population; In silico analysis supports that this missense variant has a deleterious effect on protein structure/function; This variant is associated with the following publications: (PMID: 24803665, 31324109, 34315577, 37595579, 19020799, 36349709, 42030117, 11992261, 9491886, 16053901, 29493581)

Ambry Genetics
Classification: Uncertain significance for Cardiovascular phenotype. Last evaluated: 2026-07-01. Review status: criteria provided, single submitter. Criteria: Ambry Variant Classification Scheme 2023. Collection method: clinical testing. Allele origin: germline.
Comment: The p.T59A variant (also known as c.175A>G), located in coding exon 3 of the PTPN11 gene, results from an A to G substitution at nucleotide position 175. The threonine at codon 59 is replaced by alanine, an amino acid with similar properties. This variant was determined to be de novo in at least one individual with features consistent with PTPN11-related RASopathy (Ko JM et al. J Hum Genet, 2008 Nov;53:999-1006). This amino acid position is highly conserved in available vertebrate species. In addition, this alteration is predicted to be deleterious by in silico analysis. Based on the available evidence, the clinical significance of this variant remains unclear.

3billion
Classification: Likely pathogenic for Noonan syndrome 1. Last evaluated: 2025-12-05. Review status: criteria provided, single submitter. Criteria: ACMG Guidelines, 2015. Collection method: clinical testing. Allele origin: germline. Affected: yes.
Comment: The variant is observed at an extremely low frequency in the gnomAD v4.1.0 dataset (total allele frequency: <0.001%). Predicted Consequence/Location: The variant is located in a mutational hot spot and/or well-established functional domain in which established pathogenic variants have been reported. Missense variant. Missense changes are a common disease-causing mechanism. In silico tool predictions suggest damaging effect of the variant on gene or gene product [REVEL: 0.71 (>=0.6, sensitivity 0.68 and specificity 0.92); 3Cnet: 0.99 (> 0.75, sensitivity 0.96 and precision 0.92)]. The same nucleotide change resulting in the same amino acid change has been previously reported as pathogenic/likely pathogenic with strong evidence (ClinVar ID: VCV000288033 /PMID: 19020799). Therefore, this variant is classified as Likely pathogenic according to the recommendation of ACMG/AMP guideline.

Labcorp Genetics (formerly Invitae), Labcorp
Classification: Pathogenic for RASopathy. Last evaluated: 2025-06-02. Review status: criteria provided, single submitter. Criteria: Invitae Variant Classification Sherloc (09022015). Collection method: clinical testing. Allele origin: germline.
Comment: This sequence change replaces threonine, which is neutral and polar, with alanine, which is neutral and non-polar, at codon 59 of the PTPN11 protein (p.Thr59Ala). This variant is present in population databases (no rsID available, gnomAD 0.007%). This missense change has been observed in individual(s) with Noonan syndrome (PMID: 19020799, 31324109). In at least one individual the variant was observed to be de novo. ClinVar contains an entry for this variant (Variation ID: 288033). Invitae Evidence Modeling of protein sequence and biophysical properties (such as structural, functional, and spatial information, amino acid conservation, physicochemical variation, residue mobility, and thermodynamic stability) has been performed for this missense variant. However, the output from this modeling did not meet the statistical confidence thresholds required to predict the impact of this variant on PTPN11 protein function. For these reasons, this variant has been classified as Pathogenic.

Variantyx, Inc.
Classification: Pathogenic for Autosomal dominant PTPN11-related disorders. Last evaluated: 2025-05-20. Review status: criteria provided, single submitter. Criteria: Variantyx Assertion Criteria 2022. Collection method: clinical testing. Allele origin: de novo. Inheritance: Autosomal dominant inheritance. Affected: yes.
Comment: This is a nonsynonymous variant in the PTPN11 gene (OMIM: 176876). Pathogenic variants in this gene have been associated with autosomal dominant PTPN11-related disorders. This variant likely occurred de novo in individuals reported in the published literature and previous internal cases; however, the possibility of parental germline mosaicism cannot be excluded (PMID: 31324109, 19020799 ) (PS2_Very_Strong). This variant lies within a known hotspot for pathogenic variants or a well-established critical functional domain of the PTPN11 protein (PMID: 11992261) (PM1) and multiple computational algorithms predict a deleterious effect for this variant (REVEL score: 0.707) (PP3). This variant has a 0.0017% maximum allele frequency in non-founder control populations (PM2). Based on the current evidence, this variant is classified as pathogenic for autosomal dominant PTPN11-related disorders .Inheritance from an unaffected or mildly affected parent has been reported in the PTPN11 gene, consistent with variable expressivity (PMID: 20301303, 39596579, 352464530).

Institute for Genomic Medicine (IGM) Clinical Laboratory, Nationwide Children's Hospital
Classification: Pathogenic for Noonan syndrome 1. Last evaluated: 2024-08-21. Review status: criteria provided, single submitter. Criteria: ACMG Guidelines, 2015. Collection method: clinical testing. Allele origin: germline.
Comment: This variant has been reported to occur de novo in an affected individual in the literature with parental identity confirmed (ACMG/AMP: PS2; PMID:19020799). This variant has been reported at an elevated frequency in affected individuals/in multiple affected individuals in the literature (ACMG/AMP: PS4_Supporting; PMID:19020799). This variant is located in a mutational hot spot and/or critical and well-established functional domain (ACMG/AMP: PM1). This variant is absent from or present at an exceedingly low frequency in gnomAD, a large-scale control population database (ACMG/AMP: PM2). This variant occurs in a gene with a low rate of benign missense variation, in which missense alterations are a common mechanism of disease (ACMG/AMP: PP2).

Fulgent Genetics
Classification: Likely pathogenic for LEOPARD syndrome 1; Metachondromatosis; Noonan syndrome 1; Juvenile myelomonocytic leukemia. Last evaluated: 2024-04-25. Review status: criteria provided, single submitter. Criteria: ACMG Guidelines, 2015. Collection method: clinical testing. Allele origin: germline.

PreventionGenetics, part of Exact Sciences
Classification: Uncertain significance for PTPN11-related condition. Last evaluated: 2023-02-23. Review status: criteria provided, single submitter. Criteria: ACMG Guidelines, 2015. Collection method: clinical testing. Allele origin: germline.
Comment: The PTPN11 c.175A>G variant is predicted to result in the amino acid substitution p.Thr59Ala. This variant has been reported in individuals with Noonan syndrome (Ko et al. 2008. PubMed ID: 19020799; Matyášová et al. 2019. PubMed ID: 31324109). This variant is reported in 0.0062% of alleles in individuals of African descent in gnomAD. Although we suspect that this variant may be pathogenic, at this time, the clinical significance of this variant is uncertain due to the absence of conclusive functional and genetic evidence.

Blueprint Genetics
Classification: Likely pathogenic for PTPN11-related disorders. Last evaluated: 2022-10-25. Review status: criteria provided, single submitter. Criteria: ACMG Guidelines, 2015. Collection method: clinical testing. Allele origin: germline. Affected: yes. Observed: 3 variant alleles.

Eurofins Ntd Llc (ga)
Classification: Uncertain significance. Last evaluated: 2017-10-31. Review status: criteria provided, single submitter. Criteria: EGL Classification Definitions 2015. Collection method: clinical testing. Allele origin: germline. Observed: 3 variant alleles, 3 heterozygotes.

Literature cited by the submitters: PubMed 19020799 (cited by 6 submitters); PubMed 31324109 (cited by Labcorp Genetics (formerly Invitae), Labcorp and Variantyx, Inc.); PubMed 11992261 (cited by Variantyx, Inc.).

NM_002834.5(PTPN11):c.175A>G (p.Thr59Ala)

Gene: PTPN11 (protein tyrosine phosphatase non-receptor type 11; plus strand). Cytogenetic location: 12q24.13.
Variant type: single nucleotide variant.
Coding change: c.175A>G on transcript NM_002834.5 (MANE Select); coding-DNA position 175, A replaced by G.
Protein change: p.Thr59Ala; replaces threonine 59 with alanine.
Molecular consequence: missense variant.
Genome position (GRCh38, 1-based): chr12:112,450,355, A>G. VCF-style: chr12-112450355-A-G. GRCh37 (hg19) VCF-style: chr12-112888159-A-G.
Other names: c.175A>G, p.Thr59Ala (NM_001330437.2, NM_080601.3); c.172A>G, p.Thr58Ala (NM_001374625.1); c.175A>G (NM_002834.4, NM_002834.3); short protein forms T59A, T58A.
Identifiers: ClinVar variation 288033 (VCV000288033.18), dbSNP rs886043790, ClinGen allele CA10605950.
Genomic context (GRCh38, chr12:112,450,355, plus strand): 5'-CCCTTTCCAATGGACTATTTTAGAAGAAATGGAGCTGTCACCCACATCAAGATTCAGAAC[A>G]CTGGTGATTACTATGACCTGTATGGAGGGGAGAAATTTGCCACTTTGGCTGAGTTGGTCC-3'
Protein context (NP_002825.3, residues 49-69): GAVTHIKIQN[Thr59Ala]GDYYDLYGGE